The following is an entry in ClinVar:

NM_001042492.3(NF1):c.8011T>A (p.Leu2671Met)

Gene: NF1 (neurofibromin 1; plus strand). Cytogenetic location: 17q11.2.
Variant type: single nucleotide variant.
Coding change: c.8011T>A on transcript NM_001042492.3 (MANE Select); coding-DNA position 8011, T replaced by A.
Protein change: p.Leu2671Met; replaces leucine 2671 with methionine.
Molecular consequence: missense variant.
Genome position (GRCh38, 1-based): chr17:31,358,520, T>A. VCF-style: chr17-31358520-T-A. GRCh37 (hg19) VCF-style: chr17-29685538-T-A.
Other names: c.7948T>A, p.Leu2650Met (NM_000267.4); short protein forms L2671M, L2650M.
Identifiers: ClinVar variation 934013 (VCV000934013.11), dbSNP rs2070326229, ClinGen allele CA399203668.

ClinVar aggregate classification (germline): Conflicting classifications of pathogenicity. Review status: criteria provided, conflicting classifications (1 of 4 stars). 3 submissions from 3 submitters: Uncertain significance (2); Likely benign (1). Last evaluated 2026-08-06.

Conditions:
Hereditary cancer-predisposing syndrome. Also called: Neoplastic Syndromes, Hereditary; Hereditary Cancer Syndrome; Tumor predisposition; Hereditary neoplastic syndrome. Identifiers: Orphanet 140162, MedGen C0027672, MeSH D009386, MONDO:0015356.
Cardiovascular phenotype. Identifiers: MedGen CN230736.
Juvenile myelomonocytic leukemia (JMML). Also called: LEUKEMIA, JUVENILE MYELOMONOCYTIC, SOMATIC. Identifiers: Orphanet 86834, MedGen C0349639, MONDO:0011908, OMIM 607785, HP:0012209.
Neurofibromatosis, type 1 (NF1). Also called: Peripheral type neurofibromatosis; VON RECKLINGHAUSEN DISEASE; Neurofibromatosis, type I; NEUROFIBROMATOSIS, TYPE I, SOMATIC. Identifiers: Orphanet 636, MedGen C0027831, MONDO:0018975, OMIM 162200. Disease mechanism: loss of function.

Submissions (3):

Ambry Genetics
Classification: Likely benign for Cardiovascular phenotype; Hereditary cancer-predisposing syndrome. Last evaluated: 2026-08-06. Review status: criteria provided, single submitter. Criteria: Ambry Variant Classification Scheme 2023. Collection method: clinical testing. Allele origin: germline.

Baylor Genetics
Classification: Uncertain significance for Juvenile myelomonocytic leukemia. Last evaluated: 2023-05-24. Review status: criteria provided, single submitter. Criteria: ACMG Guidelines, 2015. Collection method: clinical testing. Allele origin: unknown.

Labcorp Genetics (formerly Invitae), Labcorp
Classification: Uncertain significance for Neurofibromatosis, type 1. Last evaluated: 2022-06-19. Review status: criteria provided, single submitter. Criteria: Invitae Variant Classification Sherloc (09022015). Collection method: clinical testing. Allele origin: germline.
Comment: In summary, the available evidence is currently insufficient to determine the role of this variant in disease. Therefore, it has been classified as a Variant of Uncertain Significance. This sequence change replaces leucine, which is neutral and non-polar, with methionine, which is neutral and non-polar, at codon 2650 of the NF1 protein (p.Leu2650Met). This variant is not present in population databases (gnomAD no frequency). This variant has not been reported in the literature in individuals affected with NF1-related conditions. ClinVar contains an entry for this variant (Variation ID: 934013). Advanced modeling of protein sequence and biophysical properties (such as structural, functional, and spatial information, amino acid conservation, physicochemical variation, residue mobility, and thermodynamic stability) performed at Invitae indicates that this missense variant is not expected to disrupt NF1 protein function.